The following is an entry in ClinVar:

ClinVar aggregate classification (germline): Pathogenic (1 of 4 stars; one submission).

Conditions:
Christianson syndrome (MRXSCH). Also called: X-linked mental retardation, syndromic, Christianson type; INTELLECTUAL DEVELOPMENTAL DISORDER, X-LINKED, SYNDROMIC, CHRISTIANSON TYPE; SLC9A6-Related Syndromic Mental Retardation. Identifiers: Orphanet 85278, MedGen C2678194, MONDO:0010278, OMIM 300243.

Submission:

Labcorp Genetics (formerly Invitae), Labcorp
Classification: Pathogenic for Christianson syndrome. Last evaluated: 2024-03-06. Review status: criteria provided, single submitter. Criteria: Invitae Variant Classification Sherloc (09022015). Collection method: clinical testing. Allele origin: germline.
Comment: This sequence change creates a premature translational stop signal (p.Trp347*) in the SLC9A6 gene. It is expected to result in an absent or disrupted protein product. Loss-of-function variants in SLC9A6 are known to be pathogenic (PMID: 18342287). This variant is not present in population databases (gnomAD no frequency). This variant has not been reported in the literature in individuals affected with SLC9A6-related conditions. Algorithms developed to predict the effect of sequence changes on RNA splicing suggest that this variant may disrupt the consensus splice site. For these reasons, this variant has been classified as Pathogenic.

Literature cited by the submitters: PubMed 18342287.

NM_001379110.1(SLC9A6):c.980G>A (p.Trp327Ter)

Gene: SLC9A6 (solute carrier family 9 member A6; plus strand). Cytogenetic location: Xq26.3.
Variant type: single nucleotide variant.
Coding change: c.980G>A on transcript NM_001379110.1 (MANE Select); coding-DNA position 980, G replaced by A.
Protein change: p.Trp327Ter; replaces tryptophan 327 with a stop codon.
Molecular consequence: nonsense.
Genome position (GRCh38, 1-based): chrX:136,013,043, G>A. VCF-style: chrX-136013043-G-A. GRCh37 (hg19) VCF-style: chrX-135095202-G-A.
Other names: c.1136G>A, p.Trp379Ter (NM_001042537.2); c.980G>A, p.Trp327Ter (NM_001177651.2, NM_001400909.1, NM_001400910.1 and 2 more transcripts); c.884G>A, p.Trp295Ter (NM_001330652.2, NM_001400913.1); c.1040G>A, p.Trp347Ter (NM_006359.3); short protein forms W295*, W327*, W379*, W347*.
Identifiers: ClinVar variation 2707134 (VCV002707134.3), dbSNP rs2521310108, ClinGen allele CA414751842.